The following is an entry in ClinVar:

NM_000368.5(TSC1):c.2197A>C (p.Asn733His)

Gene: TSC1 (TSC complex subunit 1; minus strand). Cytogenetic location: 9q34.13.
Variant type: single nucleotide variant.
Coding change: c.2197A>C on transcript NM_000368.5 (MANE Select); coding-DNA position 2197, A replaced by C.
Protein change: p.Asn733His; replaces asparagine 733 with histidine.
Molecular consequence: missense variant. On other transcripts: non-coding transcript variant (4).
Genome position (GRCh38, 1-based): chr9:132,903,662, T>G on the plus strand (A>C on the coding strand, the complement: TSC1 is on the minus strand). VCF-style: chr9-132903662-T-G. GRCh37 (hg19) VCF-style: chr9-135779049-T-G.
Other names: c.2194A>C, p.Asn732His (NM_001406608.1, NM_001406609.1, NM_001162426.2 and 4 more transcripts); c.2044A>C, p.Asn682His (NM_001406610.1, NM_001162427.2); c.2041A>C, p.Asn681His (NM_001406611.1, NM_001406612.1, NM_001406613.1); c.1834A>C, p.Asn612His (NM_001406614.1, NM_001406615.1, NM_001406616.1 and 5 more transcripts); c.2197A>C, p.Asn733His (NM_001406592.1, NM_001406593.1, NM_001406594.1 and 5 more transcripts); c.1243A>C, p.Asn415His (NM_001406627.1, NM_001406628.1); c.1144A>C, p.Asn382His (NM_001406629.1, NM_001406630.1); c.2182A>C, p.Asn728His (NM_001406601.1, NM_001406602.1); and 3 more; short protein forms N415H, N727H, N416H, N612H, N382H, N611H, N682H, N732H.
Identifiers: ClinVar variation 3012218 (VCV003012218.3), dbSNP rs2538645689, ClinGen allele CA375360613.

ClinVar aggregate classification (germline): Uncertain significance (1 of 4 stars; one submission).

Conditions:
Tuberous sclerosis 1 (TSC1). Identifiers: Orphanet 805, MedGen C1854465, MONDO:0008612, OMIM 191100.

Submission:

Labcorp Genetics (formerly Invitae), Labcorp
Classification: Uncertain significance for Tuberous sclerosis 1. Last evaluated: 2023-06-09. Review status: criteria provided, single submitter. Criteria: Invitae Variant Classification Sherloc (09022015). Collection method: clinical testing. Allele origin: germline.
Comment: In summary, the available evidence is currently insufficient to determine the role of this variant in disease. Therefore, it has been classified as a Variant of Uncertain Significance. Advanced modeling of protein sequence and biophysical properties (such as structural, functional, and spatial information, amino acid conservation, physicochemical variation, residue mobility, and thermodynamic stability) performed at Invitae indicates that this missense variant is not expected to disrupt TSC1 protein function. This variant has not been reported in the literature in individuals affected with TSC1-related conditions. This variant is not present in population databases (gnomAD no frequency). This sequence change replaces asparagine, which is neutral and polar, with histidine, which is basic and polar, at codon 733 of the TSC1 protein (p.Asn733His).